The following is an entry in ClinVar:

ClinVar aggregate classification (germline): Pathogenic/Likely pathogenic. Review status: criteria provided, multiple submitters, no conflicts (2 of 4 stars). 11 submissions from 11 submitters: Pathogenic (5); Likely pathogenic (5). 1 of the submissions does not count toward it. Last evaluated 2025-11-24.

Conditions:
ASNS-related disorder. Also called: ASNS-related condition.
Neurodevelopmental delay. Identifiers: MedGen C4022738, HP:0012758.
Congenital microcephaly - severe encephalopathy - progressive cerebral atrophy syndrome. Also called: ASNS DEFICIENCY; Asparagine synthetase deficiency. Identifiers: Orphanet 391376, MedGen C3809971, MONDO:0014258, OMIM 615574.

Allele frequency attached by ClinVar (database versions not stated): gnomAD exomes below 0.00001 and 0.00001; ExAC 0.00001; TOPMed 0.00002; gnomAD 0.00003 and 0.00004.
gnomAD v4.1: 13 of 1,614,064 alleles (0.00081%); highest among the groups gnomAD compares: African/African-American, 0.0053%; no homozygotes.

Submissions (13):

Natera, Inc.
Classification: Likely pathogenic for Asparagine synthetase deficiency. Last evaluated: 2025-11-24. Review status: criteria provided, single submitter. Criteria: Natera Variant Classification Schema (03/2026). Collection method: clinical testing. Allele origin: germline.
Comment: The c.146G>A variant in ASNS is a missense variant predicted to cause substitution of arginine to glutamine at amino acid 49. This variant is rare in the general population with a frequency below the threshold expected for the associated phenotype(s). This variant has been observed in one or more individuals affected with the associated recessive disease, as either homozygous or compound heterozygous with a second variant (PMID: 30978478, 29279279). Additionally, this variant has been observed to segregate in affected family members (PMID: 29279279). Functional studies show that this variant may disrupt protein function (PMID: 37965492). Computational prediction algorithms indicate this variant is likely to affect gene or protein function. Given the available evidence, this variant is classified as Likely Pathogenic.

Labcorp Genetics (formerly Invitae), Labcorp
Classification: Pathogenic. Last evaluated: 2025-10-16. Review status: criteria provided, single submitter. Criteria: Invitae Variant Classification Sherloc (09022015). Collection method: clinical testing. Allele origin: germline.
Comment: This sequence change replaces arginine, which is basic and polar, with glutamine, which is neutral and polar, at codon 49 of the ASNS protein (p.Arg49Gln). The frequency data for this variant in the population databases is considered unreliable, as metrics indicate poor data quality at this position in the gnomAD database. This missense change has been observed in individuals with asparagine synthetase deficiency (PMID: 29279279, 30978478, 33287870). It has also been observed to segregate with disease in related individuals. ClinVar contains an entry for this variant (Variation ID: 383733). Invitae Evidence Modeling of protein sequence and biophysical properties (such as structural, functional, and spatial information, amino acid conservation, physicochemical variation, residue mobility, and thermodynamic stability) has been performed for this missense variant. However, the output from this modeling did not meet the statistical confidence thresholds required to predict the impact of this variant on ASNS protein function. For these reasons, this variant has been classified as Pathogenic.

Dubai Health Genomic Medicine Center, Dubai Health
Classification: Pathogenic for Asparagine synthetase deficiency. Last evaluated: 2024-10-04. Review status: criteria provided, single submitter. Criteria: ACMG Guidelines, 2015. Collection method: research. Allele origin: germline. Affected: yes.
Comment: PP1,PM3(strong),PM2,PP3,PP2

Blueprint Genetics
Classification: Pathogenic for ASNS-related disorders. Last evaluated: 2024-09-11. Review status: criteria provided, single submitter. Criteria: ACMG Guidelines, 2015. Collection method: clinical testing. Allele origin: germline. Affected: yes. Observed: 2 variant alleles.

Fulgent Genetics
Classification: Likely pathogenic for Congenital microcephaly - severe encephalopathy - progressive cerebral atrophy syndrome. Last evaluated: 2024-06-06. Review status: criteria provided, single submitter. Criteria: ACMG Guidelines, 2015. Collection method: clinical testing. Allele origin: germline.

Department of Genetics, Sultan Qaboos University Hospital
Classification: Likely pathogenic for Congenital microcephaly - severe encephalopathy - progressive cerebral atrophy syndrome. Last evaluated: 2023-12-30. Review status: criteria provided, single submitter. Criteria: ACMG Guidelines, 2015. Collection method: curation. Allele origin: unknown. Inheritance: Autosomal recessive inheritance. Affected: yes.

Genomic Research Center, Shahid Beheshti University of Medical Sciences
Classification: Likely pathogenic for Asparagine synthetase deficiency. Last evaluated: 2019-01-01. Review status: criteria provided, single submitter. Criteria: ACMG Guidelines, 2015. Collection method: clinical testing. Allele origin: inherited. Affected: yes. Observed: 3 variant alleles.

GeneDx
Classification: Likely pathogenic. Last evaluated: 2016-02-25. Review status: criteria provided, single submitter. Criteria: GeneDx Variant Classification (06012015). Collection method: clinical testing. Allele origin: germline. Affected: yes.
Comment: The R49Q variant in the ASNS gene has not been reported previously as a pathogenic variant, nor as a benign variant, to our knowledge. The R49Q variant was not observed in approximately 6500 individuals of European and African American ancestry in the NHLBI Exome Sequencing Project, indicating it is not a common benign variant in these populations. The R49Q variant is a semi-conservative amino acid substitution, which may impact secondary protein structure as these residues differ in some properties. This substitution occurs at a position that is conserved across species and in silico analysis predicts this variant is probably damaging to the protein structure/function. The R49Q variant is a strong candidate for a pathogenic variant, however the possibility it may be a rare benign variant cannot be excluded.

Centre de Biologie Pathologie Génétique, Centre Hospitalier Universitaire de Lille
Classification: Pathogenic for Neurodevelopmental delay. Review status: criteria provided, single submitter. Criteria: ACMG Guidelines, 2015. Collection method: clinical testing. Allele origin: unknown. Affected: yes.

Laboratoire de Génétique Moléculaire, CHU Bordeaux
Classification: Pathogenic. Review status: criteria provided, single submitter. Criteria: ACMG Guidelines, 2015. Collection method: clinical testing. Allele origin: germline. Affected: yes.

OMIM
Classification: Pathogenic for ASPARAGINE SYNTHETASE DEFICIENCY. Last evaluated: 2020-05-26. Review status: no assertion criteria provided. Collection method: literature only. Allele origin: germline. Not counted in ClinVar's aggregate classification.

Dr. Peter K. Rogan Lab, Western University
No classification provided (evidence only). Condition: Pancreatic adenocarcinoma. Review status: no classification provided. Collection method: in vitro. Allele origin: not applicable. Functional consequence: retained intron. Not counted in ClinVar's aggregate classification.

Dr. Peter K. Rogan Lab, Western University
No classification provided (evidence only). Condition: Gastric cancer. Review status: no classification provided. Collection method: in vitro. Allele origin: not applicable. Functional consequence: retained intron. Not counted in ClinVar's aggregate classification.

Literature cited by the submitters: PubMed 30978478 (cited by Natera, Inc. and Labcorp Genetics (formerly Invitae), Labcorp); PubMed 29279279 (cited by 3 submitters); PubMed 37965492 (cited by Natera, Inc.); PubMed 33287870 (cited by Labcorp Genetics (formerly Invitae), Labcorp).

NM_001673.5(ASNS):c.146G>A (p.Arg49Gln)

Genes: ASNS (asparagine synthetase (glutamine-hydrolyzing); minus strand), CZ1P-ASNS (CZ1P-ASNS readthrough; minus strand). Cytogenetic location: 7q21.3.
Variant type: single nucleotide variant.
Coding change: c.146G>A on transcript NM_001673.5 (MANE Select); coding-DNA position 146, G replaced by A.
Protein change: p.Arg49Gln; replaces arginine 49 with glutamine.
Molecular consequence: missense variant. On other transcripts: non-coding transcript variant (1), intron variant (2).
Genome position (GRCh38, 1-based): chr7:97,869,011, C>T on the plus strand (G>A on the coding strand, the complement: ASNS is on the minus strand). VCF-style: chr7-97869011-C-T. GRCh37 (hg19) VCF-style: chr7-97498323-C-T.
Other names: c.146G>A, p.Arg49Gln (NM_133436.3, NM_001352496.2, NM_183356.4); c.146G>A (NM_001673.4); c.83G>A, p.Arg28Gln (NM_001178075.2); c.-1+3340G>A (NM_001178076.2); c.-1+3030G>A (NM_001178077.1); short protein forms R49Q, R28Q.
Identifiers: ClinVar variation 383733 (VCV000383733.24), dbSNP rs769236847, ClinGen allele CA4354841.